The following is an entry in ClinVar:

ClinVar aggregate classification (germline): Uncertain significance (1 of 4 stars; one submission).

Submission:

GeneDx
Classification: Uncertain significance. Last evaluated: 2025-05-08. Review status: criteria provided, single submitter. Criteria: GeneDx Variant Classification Process June 2021. Collection method: clinical testing. Allele origin: germline.
Comment: Not observed at significant frequency in large population cohorts (gnomAD); In silico analysis suggests that this missense variant does not alter protein structure/function; Has not been previously published as pathogenic or benign to our knowledge

NM_022455.5(NSD1):c.5836A>G (p.Ile1946Val)

Gene: NSD1 (nuclear receptor binding SET domain protein 1; plus strand). Cytogenetic location: 5q35.3.
Variant type: single nucleotide variant.
Coding change: c.5836A>G on transcript NM_022455.5 (MANE Select); coding-DNA position 5836, A replaced by G.
Protein change: p.Ile1946Val; replaces isoleucine 1946 with valine.
Molecular consequence: missense variant.
Genome position (GRCh38, 1-based): chr5:177,280,778, A>G. VCF-style: chr5-177280778-A-G. GRCh37 (hg19) VCF-style: chr5-176707779-A-G.
Other names: c.4963A>G, p.Ile1655Val (NM_001365684.2, NM_001409308.1, NM_001409309.1 and 1 more transcripts); c.5836A>G, p.Ile1946Val (NM_001409301.1, NM_001409302.1, NM_001409303.1); c.5416A>G, p.Ile1806Val (NM_001409304.1); c.5083A>G, p.Ile1695Val (NM_001409305.1); c.5074A>G, p.Ile1692Val (NM_001409306.1, NM_001409307.1); short protein forms I1655V, I1692V, I1695V, I1806V, I1946V.
Identifiers: ClinVar variation 2577646 (VCV002577646.2), dbSNP rs2480780374, ClinGen allele CA362313624.